The following is an entry in ClinVar:

NM_001164508.2(NEB):c.24710C>T (p.Thr8237Ile)

Genes: NEB (nebulin; minus strand), RIF1 (replication timing regulatory factor 1; plus strand). Cytogenetic location: 2q23.3.
Variant type: single nucleotide variant.
Coding change: c.24710C>T on transcript NM_001164508.2 (MANE Select); coding-DNA position 24710, C replaced by T.
Protein change: p.Thr8237Ile; replaces threonine 8237 with isoleucine.
Molecular consequence: missense variant.
Genome position (GRCh38, 1-based): chr2:151,493,408, G>A on the plus strand (C>T on the coding strand, the complement: NEB is on the minus strand). VCF-style: chr2-151493408-G-A. GRCh37 (hg19) VCF-style: chr2-152349922-G-A.
Other names: c.24710C>T, p.Thr8237Ile (NM_001164507.2); c.24815C>T, p.Thr8272Ile (NM_001271208.2); c.19142C>T, p.Thr6381Ile (NM_004543.5); short protein forms T8237I, T6381I, T8272I.
Identifiers: ClinVar variation 652120 (VCV000652120.5), dbSNP rs369083039, ClinGen allele CA1905943.
Genomic context (GRCh38, chr2:151,493,408, plus strand): 5'-AATACCGAGCTAATGTTTTCTTGGTTGCGCTTAGCTCTCTCCATCTCTGGAGTAACAGGT[G>A]TCGGAGTTGCTTTTCTCATGTTCTCTTTGTACAATACCTAGGGAAGCCAAAAGAGCATCT-3'
Protein context (NP_001157980.2, residues 8227-8247): YKENMRKATP[Thr8237Ile]PVTPEMERAK

ClinVar aggregate classification (germline): Uncertain significance. Review status: criteria provided, single submitter (1 of 4 stars). 2 submissions from 2 submitters: Uncertain significance (1). 1 of the submissions does not count toward it. Last evaluated 2021-08-31.

Conditions:
Nemaline myopathy 2 (NEM2). Also called: Nemaline myopathy 2, autosomal recessive. Identifiers: MedGen C1850569, MONDO:0009725, OMIM 256030.

Allele frequency attached by ClinVar (database versions not stated): gnomAD exomes below 0.00001 and 0.00001; TOPMed below 0.00001; ExAC 0.00001; ESP Exome Variant Server 0.00017.
gnomAD v4.1: 16 of 1,609,040 alleles (0.00099%); highest among the groups gnomAD compares: Non-Finnish European, 0.0012%; no homozygotes.

Submissions (2):

Labcorp Genetics (formerly Invitae), Labcorp
Classification: Uncertain significance for Nemaline myopathy 2. Last evaluated: 2021-08-31. Review status: criteria provided, single submitter. Criteria: Invitae Variant Classification Sherloc (09022015). Collection method: clinical testing. Allele origin: germline.
Comment: This sequence change replaces threonine with isoleucine at codon 8272 of the NEB protein (p.Thr8272Ile). The threonine residue is moderately conserved and there is a moderate physicochemical difference between threonine and isoleucine. This variant is present in population databases (rs369083039, ExAC 0.002%). This variant has not been reported in the literature in individuals affected with NEB-related conditions. Algorithms developed to predict the effect of missense changes on protein structure and function are either unavailable or do not agree on the potential impact of this missense change (SIFT: "Deleterious"; PolyPhen-2: "Not Available"; Align-GVGD: "Class C0"). In summary, the available evidence is currently insufficient to determine the role of this variant in disease. Therefore, it has been classified as a Variant of Uncertain Significance.

Natera, Inc.
Classification: Uncertain significance for Nemaline myopathy type 2. Last evaluated: 2020-09-16. Review status: no assertion criteria provided. Collection method: clinical testing. Allele origin: germline. Not counted in ClinVar's aggregate classification.